The following is an entry in ClinVar:

NM_014271.4(IL1RAPL1):c.-25+31A>C

Gene: IL1RAPL1 (interleukin 1 receptor accessory protein like 1; plus strand). Cytogenetic location: Xp21.3.
Variant type: single nucleotide variant.
Coding change: c.-25+31A>C on transcript NM_014271.4 (MANE Select); 31 bases into the intron after 25 bases upstream of the start codon, A replaced by C.
Molecular consequence: intron variant.
Genome position (GRCh38, 1-based): chrX:28,588,078, A>C. VCF-style: chrX-28588078-A-C. GRCh37 (hg19) VCF-style: chrX-28606195-A-C.
Identifiers: ClinVar variation 2429011 (VCV002429011.4), dbSNP rs1933862850, ClinGen allele CA2421442458.

ClinVar aggregate classification (germline): Uncertain significance (1 of 4 stars; one submission).

Allele frequency attached by ClinVar (database versions not stated): TOPMed 0.00001.

Submission:

Greenwood Genetic Center Diagnostic Laboratories, Greenwood Genetic Center
Classification: Uncertain significance. Last evaluated: 2022-11-29. Review status: criteria provided, single submitter. Criteria: ACMG Guidelines, 2015. Collection method: clinical testing. Allele origin: germline. Affected: yes.
Comment: PM2, BP4